The following is an entry in ClinVar:

NM_182920.2(ADAMTS9):c.2965C>T (p.Arg989Cys)

Gene: ADAMTS9 (ADAM metallopeptidase with thrombospondin type 1 motif 9; minus strand). Cytogenetic location: 3p14.1.
Variant type: single nucleotide variant.
Coding change: c.2965C>T on transcript NM_182920.2 (MANE Select); coding-DNA position 2965, C replaced by T.
Protein change: p.Arg989Cys; replaces arginine 989 with cysteine.
Molecular consequence: missense variant.
Genome position (GRCh38, 1-based): chr3:64,616,019, G>A on the plus strand (C>T on the coding strand, the complement: ADAMTS9 is on the minus strand). VCF-style: chr3-64616019-G-A. GRCh37 (hg19) VCF-style: chr3-64601695-G-A.
Other names: c.2881C>T, p.Arg961Cys (NM_001318781.2); short protein forms R989C, R961C.
Identifiers: ClinVar variation 1433047 (VCV001433047.6), dbSNP rs531088990, ClinGen allele CA2481027.

ClinVar aggregate classification (germline): Uncertain significance (1 of 4 stars; one submission).

Allele frequency attached by ClinVar (database versions not stated): TOPMed 0.00001; gnomAD exomes 0.00003 and 0.00004; gnomAD 0.00006 and 0.00007; ExAC 0.00007; 1000 Genomes Project 30x 0.00016; 1000 Genomes Project 0.00020.
gnomAD v4.1: 60 of 1,613,926 alleles (0.0037%); highest among the groups gnomAD compares: South Asian, 0.0066%; no homozygotes.

Submission:

Labcorp Genetics (formerly Invitae), Labcorp
Classification: Uncertain significance. Last evaluated: 2024-08-12. Review status: criteria provided, single submitter. Criteria: Invitae Variant Classification Sherloc (09022015). Collection method: clinical testing. Allele origin: germline.
Comment: This sequence change replaces arginine, which is basic and polar, with cysteine, which is neutral and slightly polar, at codon 989 of the ADAMTS9 protein (p.Arg989Cys). This variant is present in population databases (rs531088990, gnomAD 0.02%). This variant has not been reported in the literature in individuals affected with ADAMTS9-related conditions. ClinVar contains an entry for this variant (Variation ID: 1433047). An algorithm developed to predict the effect of missense changes on protein structure and function (PolyPhen-2) suggests that this variant¬†is likely to be tolerated. In summary, the available evidence is currently insufficient to determine the role of this variant in disease. Therefore, it has been classified as a Variant of Uncertain Significance.